The following is an entry in ClinVar:

NM_021831.6(AGBL5):c.1109A>G (p.Asn370Ser)

Gene: AGBL5 (AGBL carboxypeptidase 5; plus strand). Cytogenetic location: 2p23.3.
Variant type: single nucleotide variant.
Coding change: c.1109A>G on transcript NM_021831.6 (MANE Select); coding-DNA position 1109, A replaced by G.
Protein change: p.Asn370Ser; replaces asparagine 370 with serine.
Molecular consequence: missense variant. On other transcripts: non-coding transcript variant (2).
Genome position (GRCh38, 1-based): chr2:27,055,882, A>G. VCF-style: chr2-27055882-A-G. GRCh37 (hg19) VCF-style: chr2-27278750-A-G.
Other names: c.1109A>G, p.Asn370Ser (NM_001035507.3); short protein forms N370S.
Identifiers: ClinVar variation 851780 (VCV000851780.9), dbSNP rs35445642, ClinGen allele CA1567793.
Genomic context (GRCh38, chr2:27,055,882, plus strand): 5'-ACCAGCCCAGTTCCTGTCTCCCTCCTGATGCTCCTGTTTCTGACCTGGAGAAAGCCAACA[A>G]TCTCCAAAATGAAGCTCAGTGTGGGCACTCAGCTGACAGGCATAACGCTGAAGCCTGGAA-3'
Protein context (NP_068603.4, residues 360-380): APVSDLEKAN[Asn370Ser]LQNEAQCGHS

ClinVar aggregate classification (germline): Uncertain significance. Review status: criteria provided, multiple submitters, no conflicts (2 of 4 stars). 3 submissions from 3 submitters: Uncertain significance (3). Last evaluated 2024-10-21.

Allele frequency attached by ClinVar (database versions not stated): gnomAD exomes 0.00003 and 0.00006; ExAC 0.00007; ESP Exome Variant Server 0.00023; 1000 Genomes Project 30x 0.00031; TOPMed 0.00034; gnomAD 0.00036 and 0.00040; 1000 Genomes Project 0.00040.
gnomAD v4.1: 96 of 1,614,156 alleles (0.0059%); highest among the groups gnomAD compares: African/African-American, 0.1%; no homozygotes.

Submissions (3):

Labcorp Genetics (formerly Invitae), Labcorp
Classification: Uncertain significance. Last evaluated: 2024-10-21. Review status: criteria provided, single submitter. Criteria: Invitae Variant Classification Sherloc (09022015). Collection method: clinical testing. Allele origin: germline.
Comment: This sequence change replaces asparagine, which is neutral and polar, with serine, which is neutral and polar, at codon 370 of the AGBL5 protein (p.Asn370Ser). This variant is present in population databases (rs35445642, gnomAD 0.07%). This variant has not been reported in the literature in individuals affected with AGBL5-related conditions. ClinVar contains an entry for this variant (Variation ID: 851780). An algorithm developed to predict the effect of missense changes on protein structure and function outputs the following: PolyPhen-2: "Benign". The serine amino acid residue is found in multiple mammalian species, which suggests that this missense change does not adversely affect protein function. In summary, the available evidence is currently insufficient to determine the role of this variant in disease. Therefore, it has been classified as a Variant of Uncertain Significance.

Blueprint Genetics
Classification: Uncertain significance. Last evaluated: 2022-10-14. Review status: criteria provided, single submitter. Criteria: ACMG Guidelines, 2015. Collection method: clinical testing. Allele origin: germline.

Breakthrough Genomics
Classification: Uncertain significance. Review status: criteria provided, single submitter. Criteria: ACMG Guidelines, 2015. Collection method: not provided. Allele origin: germline. Inheritance: Autosomal recessive inheritance. Affected: yes.